The following is an entry in ClinVar:

NM_139343.3(BIN1):c.1094C>T (p.Thr365Met)

Gene: BIN1 (bridging integrator 1; minus strand). Cytogenetic location: 2q14.3.
Variant type: single nucleotide variant.
Coding change: c.1094C>T on transcript NM_139343.3 (MANE Select); coding-DNA position 1094, C replaced by T.
Protein change: p.Thr365Met; replaces threonine 365 with methionine.
Molecular consequence: missense variant. On other transcripts: intron variant (9).
Genome position (GRCh38, 1-based): chr2:127,057,510, G>A on the plus strand (C>T on the coding strand, the complement: BIN1 is on the minus strand). VCF-style: chr2-127057510-G-A. GRCh37 (hg19) VCF-style: chr2-127815086-G-A.
Other names: c.1094C>T, p.Thr365Met (NM_001320640.2); c.1001C>T, p.Thr334Met (NM_001320641.2, NM_139347.3, NM_139348.3); c.1013C>T, p.Thr338Met (NM_001320642.1); c.1046C>T, p.Thr349Met (NM_139346.3); c.837+1501C>T (NM_001320634.1); c.909+1501C>T (NM_139351.3, NM_139350.3, NM_139349.3); c.954+1501C>T (NM_001320632.2, NM_004305.4); c.1002+1501C>T (NM_001320633.2, NM_139345.3, NM_139344.3); short protein forms T338M, T349M, T365M, T334M.
Identifiers: ClinVar variation 1486225 (VCV001486225.6), dbSNP rs577812854, ClinGen allele CA1857189.

ClinVar aggregate classification (germline): Uncertain significance (1 of 4 stars; one submission).

Conditions:
Myopathy, centronuclear, 2 (CNM2). Also called: MYOTUBULAR MYOPATHY, AUTOSOMAL RECESSIVE. Identifiers: Orphanet 169186, MedGen CN031787, MONDO:0009709, OMIM 255200.

Allele frequency attached by ClinVar (database versions not stated): gnomAD exomes 0.00001; ExAC 0.00010; TOPMed below 0.00001; 1000 Genomes Project 30x 0.00031; 1000 Genomes Project 0.00040.
gnomAD v4.1: 20 of 1,547,916 alleles (0.0013%); highest among the groups gnomAD compares: South Asian, 0.0048%; 1 homozygote.

Submission:

Labcorp Genetics (formerly Invitae), Labcorp
Classification: Uncertain significance for Myopathy, centronuclear, 2. Last evaluated: 2022-07-26. Review status: criteria provided, single submitter. Criteria: Invitae Variant Classification Sherloc (09022015). Collection method: clinical testing. Allele origin: germline.
Comment: This sequence change replaces threonine, which is neutral and polar, with methionine, which is neutral and non-polar, at codon 365 of the BIN1 protein (p.Thr365Met). The frequency data for this variant in the population databases is considered unreliable, as metrics indicate poor data quality at this position in the gnomAD database. This variant has not been reported in the literature in individuals affected with BIN1-related conditions. ClinVar contains an entry for this variant (Variation ID: 1486225). Algorithms developed to predict the effect of missense changes on protein structure and function (SIFT, PolyPhen-2, Align-GVGD) all suggest that this variant is likely to be tolerated. In summary, the available evidence is currently insufficient to determine the role of this variant in disease. Therefore, it has been classified as a Variant of Uncertain Significance.